The following is an entry in ClinVar:

NM_001040108.2(MLH3):c.1720G>C (p.Val574Leu)

Gene: MLH3 (mutL homolog 3; minus strand). Cytogenetic location: 14q24.3.
Variant type: single nucleotide variant.
Coding change: c.1720G>C on transcript NM_001040108.2 (MANE Select); coding-DNA position 1720, G replaced by C.
Protein change: p.Val574Leu; replaces valine 574 with leucine.
Molecular consequence: missense variant.
Genome position (GRCh38, 1-based): chr14:75,047,936, C>G on the plus strand (G>C on the coding strand, the complement: MLH3 is on the minus strand). VCF-style: chr14-75047936-C-G. GRCh37 (hg19) VCF-style: chr14-75514639-C-G.
Other names: c.1720G>C, p.Val574Leu (NM_014381.3); short protein forms V574L.
Identifiers: ClinVar variation 4055420 (VCV004055420.1).

ClinVar aggregate classification (germline): Uncertain significance (1 of 4 stars; one submission).

Submission:

Ambry Genetics
Classification: Uncertain significance. Last evaluated: 2025-03-28. Review status: criteria provided, single submitter. Criteria: Ambry Variant Classification Scheme 2023. Collection method: clinical testing. Allele origin: germline.
Comment: The p.V574L variant (also known as c.1720G>C), located in coding exon 1 of the MLH3 gene, results from a G to C substitution at nucleotide position 1720. The valine at codon 574 is replaced by leucine, an amino acid with highly similar properties. This amino acid position is conserved. In addition, this alteration is predicted to be tolerated by in silico analysis. Based on the available evidence, the clinical significance of this variant remains unclear.